The following is an entry in ClinVar:

NM_005670.4(EPM2A):c.74C>A (p.Ser25Ter)

Genes: EPM2A (EPM2A glucan phosphatase, laforin; minus strand), EPM2A-DT (EPM2A divergent transcript; plus strand), LOC129997381 (ATAC-STARR-seq lymphoblastoid silent region 17642; plus strand). Cytogenetic location: 6q24.3.
Variant type: single nucleotide variant.
Coding change: c.74C>A on transcript NM_005670.4 (MANE Select); coding-DNA position 74, C replaced by A.
Protein change: p.Ser25Ter; replaces serine 25 with a stop codon.
Molecular consequence: nonsense. On other transcripts: 5 prime UTR variant (3), intron variant (1).
Genome position (GRCh38, 1-based): chr6:145,735,425, G>T on the plus strand (C>A on the coding strand, the complement: EPM2A is on the minus strand). VCF-style: chr6-145735425-G-T. GRCh37 (hg19) VCF-style: chr6-146056561-G-T.
Other names: c.74C>A, p.Ser25Ter (NM_001018041.2, NM_001360057.2, NM_001368130.1); c.-596C>A (NM_001360071.2); c.-550C>A (NM_001368129.2); c.-294C>A (NM_001368131.1); c.-114+483C>A (NM_001360064.2); short protein forms S25*.
Identifiers: ClinVar variation 862225 (VCV000862225.8), dbSNP rs1776817138, ClinGen allele CA366188490.

ClinVar aggregate classification (germline): Pathogenic (1 of 4 stars; one submission).

Conditions:
Progressive myoclonic epilepsy. Also called: Myoclonus epilepsy; Progressive myoclonus epilepsy; Familial progressive myoclonic epilepsy; Myoclonic Epilepsies, Progressive. Identifiers: Orphanet 308, Orphanet 98261, MedGen C0751778, MONDO:0020074.

Submission:

Labcorp Genetics (formerly Invitae), Labcorp
Classification: Pathogenic for Progressive myoclonic epilepsy. Last evaluated: 2019-01-26. Review status: criteria provided, single submitter. Criteria: Invitae Variant Classification Sherloc (09022015). Collection method: clinical testing. Allele origin: germline.
Comment: For these reasons, this variant has been classified as Pathogenic. Loss-of-function variants in EPM2A are known to be pathogenic (PMID: 20738377). This variant has not been reported in the literature in individuals with EPM2A-related conditions. The frequency data for this variant in the population databases is considered unreliable, as metrics indicate insufficient coverage at this position in the ExAC database. This sequence change creates a premature translational stop signal (p.Ser25*) in the EPM2A gene. It is expected to result in an absent or disrupted protein product.

Literature cited by the submitters: PubMed 20738377.